The following is an entry in ClinVar:

NM_003482.4(KMT2D):c.6284G>A (p.Arg2095His)

Gene: KMT2D (lysine methyltransferase 2D; minus strand). Cytogenetic location: 12q13.12.
Variant type: single nucleotide variant.
Coding change: c.6284G>A on transcript NM_003482.4 (MANE Select); coding-DNA position 6284, G replaced by A.
Protein change: p.Arg2095His; replaces arginine 2095 with histidine.
Molecular consequence: missense variant.
Genome position (GRCh38, 1-based): chr12:49,041,486, C>T on the plus strand (G>A on the coding strand, the complement: KMT2D is on the minus strand). VCF-style: chr12-49041486-C-T. GRCh37 (hg19) VCF-style: chr12-49435269-C-T.
Other names: short protein forms R2095H.
Identifiers: ClinVar variation 134693 (VCV000134693.10), dbSNP rs374216845, ClinGen allele CA160553.

ClinVar aggregate classification (germline): Conflicting classifications of pathogenicity. Review status: criteria provided, conflicting classifications (1 of 4 stars). 6 submissions from 6 submitters: Uncertain significance (3); Likely benign (2). 1 of the submissions does not count toward it. Last evaluated 2026-04-20.

Conditions:
KMT2D-related disorder. Also called: KMT2D-Related Disorders.
Kabuki syndrome. Also called: NIIKAWA-KUROKI SYNDROME; Kabuki make-up syndrome. Identifiers: Orphanet 2322, MedGen C0796004, MONDO:0016512.
Kabuki syndrome 1 (KABUK1). Also called: KMT2D-Related Kabuki Syndrome. Identifiers: Orphanet 2322, MedGen CN030661, MONDO:0007843, OMIM 147920.

Allele frequency attached by ClinVar (database versions not stated): gnomAD 0.00001 and 0.00002; gnomAD exomes 0.00003; TOPMed 0.00003; ExAC 0.00005; ESP Exome Variant Server 0.00008.
gnomAD v4.1: 46 of 1,613,460 alleles (0.0029%); highest among the groups gnomAD compares: Middle Eastern, 0.016%; no homozygotes.

Submissions (6):

PreventionGenetics, part of Exact Sciences
Classification: Uncertain significance for KMT2D-related condition. Last evaluated: 2026-04-20. Review status: criteria provided, single submitter. Criteria: ACMG Guidelines, 2015. Collection method: clinical testing. Allele origin: germline.
Comment: The KMT2D c.6284G>A variant is predicted to result in the amino acid substitution p.Arg2095His. To our knowledge, this variant has not been reported in the literature. This variant is reported in 0.020% of alleles in individuals of East Asian descent in gnomAD, which may be too frequent to be a primary cause of disease. Although we suspect that this variant may be benign, the clinical significance of this variant is currently classified as uncertain due to the absence of conclusive functional and genetic evidence.

Labcorp Genetics (formerly Invitae), Labcorp
Classification: Likely benign for Kabuki syndrome. Last evaluated: 2025-12-16. Review status: criteria provided, single submitter. Criteria: Invitae Variant Classification Sherloc (09022015). Collection method: clinical testing. Allele origin: germline.

Blueprint Genetics
Classification: Likely benign. Last evaluated: 2024-04-04. Review status: criteria provided, single submitter. Criteria: ACMG Guidelines, 2015. Collection method: clinical testing. Allele origin: germline.

Fulgent Genetics
Classification: Uncertain significance for Kabuki syndrome 1. Last evaluated: 2018-10-31. Review status: criteria provided, single submitter. Criteria: ACMG Guidelines, 2015. Collection method: clinical testing. Allele origin: unknown.

GeneDx
Classification: Uncertain significance. Last evaluated: 2017-01-26. Review status: criteria provided, single submitter. Criteria: GeneDx Variant Classification (06012015). Collection method: clinical testing. Allele origin: germline. Affected: yes.
Comment: The R2095H variant has not been published as a pathogenic variant, nor has it been reported as a benign variant to our knowledge. The NHLBI Exome Sequencing Project reports R2095H was observed in 1 of 8392 (0.0119%) alleles from individuals of European background, indicating it may be a rare (benign) variant in this population. The R2095H variant is a conservative amino acid substitution, which is not likely to impact secondary protein structure as these residues share similar properties. Yet, this substitution occurs at a position that is conserved across species, and in silico analysis predicts this variant is probably damaging to the protein structure/function. Therefore, based on the currently available information, it is unclear whether this variant is pathogenic or a rare benign variant.

ITMI
No classification provided. Condition: AllHighlyPenetrant. Last evaluated: 2013-09-19. Review status: no classification provided. Collection method: reference population. Allele origin: germline. Not counted in ClinVar's aggregate classification.
Comment: Please see associated publication for description of ethnicities

Literature cited by the submitters: PubMed 24728327 (cited by ITMI).